The following is an entry in ClinVar:

NM_001042492.3(NF1):c.6921+6T>G

Gene: NF1 (neurofibromin 1; plus strand). Cytogenetic location: 17q11.2.
Variant type: single nucleotide variant.
Coding change: c.6921+6T>G on transcript NM_001042492.3 (MANE Select); 6 bases into the intron after coding-DNA position 6921, T replaced by G.
Molecular consequence: intron variant.
Genome position (GRCh38, 1-based): chr17:31,338,811, T>G. VCF-style: chr17-31338811-T-G. GRCh37 (hg19) VCF-style: chr17-29665829-T-G.
Other names: c.6858+6T>G (NM_000267.4).
Identifiers: ClinVar variation 1356964 (VCV001356964.28), dbSNP rs368541645, ClinGen allele CA2573153883.

ClinVar aggregate classification (germline): Uncertain significance. Review status: criteria provided, multiple submitters, no conflicts (2 of 4 stars). 2 submissions from 2 submitters: Uncertain significance (2). Last evaluated 2023-12-01.

Conditions:
Neurofibromatosis, type 1 (NF1). Also called: NEUROFIBROMATOSIS, TYPE I, SOMATIC; VON RECKLINGHAUSEN DISEASE; Peripheral type neurofibromatosis; Neurofibromatosis, type I. Identifiers: Orphanet 636, MedGen C0027831, MONDO:0018975, OMIM 162200. Disease mechanism: loss of function.

Allele frequency attached by ClinVar (database versions not stated): gnomAD exomes below 0.00001.
gnomAD v4.1: 2 of 1,571,266 alleles (0.00013%); highest among the groups gnomAD compares: Non-Finnish European, 0.00018%; no homozygotes.

Submissions (2):

CeGaT Center for Human Genetics Tuebingen
Classification: Uncertain significance. Last evaluated: 2023-12-01. Review status: criteria provided, single submitter. Criteria: CeGaT Center For Human Genetics Tuebingen Variant Classification Criteria Version 2. Collection method: clinical testing. Allele origin: germline. Affected: yes. Observed: 1 variant allele.
Comment: NF1: PM2, BP4

Labcorp Genetics (formerly Invitae), Labcorp
Classification: Uncertain significance for Neurofibromatosis, type 1. Last evaluated: 2023-08-04. Review status: criteria provided, single submitter. Criteria: Invitae Variant Classification Sherloc (09022015). Collection method: clinical testing. Allele origin: germline.
Comment: This variant is not present in population databases (gnomAD no frequency). ClinVar contains an entry for this variant (Variation ID: 1356964). This sequence change falls in intron 45 of the NF1 gene. It does not directly change the encoded amino acid sequence of the NF1 protein. It affects a nucleotide within the consensus splice site. This variant has not been reported in the literature in individuals affected with NF1-related conditions. Variants that disrupt the consensus splice site are a relatively common cause of aberrant splicing (PMID: 17576681, 9536098). Algorithms developed to predict the effect of sequence changes on RNA splicing suggest that this variant is not likely to affect RNA splicing. In summary, the available evidence is currently insufficient to determine the role of this variant in disease. Therefore, it has been classified as a Variant of Uncertain Significance.

Literature cited by the submitters: PubMed 17576681 (cited by Labcorp Genetics (formerly Invitae), Labcorp); PubMed 9536098 (cited by Labcorp Genetics (formerly Invitae), Labcorp).